The following is an entry in ClinVar:

ClinVar aggregate classification (germline): Uncertain significance (1 of 4 stars; one submission).

gnomAD v4.1: 2 of 1,555,020 alleles (0.00013%); highest among the groups gnomAD compares: South Asian, 0.0024%; no homozygotes.

Submission:

Labcorp Genetics (formerly Invitae), Labcorp
Classification: Uncertain significance. Last evaluated: 2024-03-07. Review status: criteria provided, single submitter. Criteria: Invitae Variant Classification Sherloc (09022015). Collection method: clinical testing. Allele origin: germline.
Comment: This sequence change replaces arginine, which is basic and polar, with lysine, which is basic and polar, at codon 350 of the PROM1 protein (p.Arg350Lys). The frequency data for this variant in the population databases is considered unreliable, as metrics indicate poor data quality at this position in the gnomAD database. This variant has not been reported in the literature in individuals affected with PROM1-related conditions. Advanced modeling of protein sequence and biophysical properties (such as structural, functional, and spatial information, amino acid conservation, physicochemical variation, residue mobility, and thermodynamic stability) performed at Invitae indicates that this missense variant is not expected to disrupt PROM1 protein function with a negative predictive value of 80%. In summary, the available evidence is currently insufficient to determine the role of this variant in disease. Therefore, it has been classified as a Variant of Uncertain Significance.

NM_006017.3(PROM1):c.1049G>A (p.Arg350Lys)

Gene: PROM1 (prominin 1; minus strand). Cytogenetic location: 4p15.32.
Variant type: single nucleotide variant.
Coding change: c.1049G>A on transcript NM_006017.3 (MANE Select); coding-DNA position 1049, G replaced by A.
Protein change: p.Arg350Lys; replaces arginine 350 with lysine.
Molecular consequence: missense variant.
Genome position (GRCh38, 1-based): chr4:16,016,194, C>T on the plus strand (G>A on the coding strand, the complement: PROM1 is on the minus strand). VCF-style: chr4-16016194-C-T. GRCh37 (hg19) VCF-style: chr4-16017817-C-T.
Other names: c.1022G>A, p.Arg341Lys (NM_001145847.2, NM_001145848.2, NM_001145851.2 and 4 more transcripts); c.1049G>A, p.Arg350Lys (NM_001145849.2, NM_001145850.2); short protein forms R341K, R350K.
Identifiers: ClinVar variation 3644935 (VCV003644935.2).